The following is an entry in ClinVar:

NM_018896.5(CACNA1G):c.580G>C (p.Val194Leu)

Gene: CACNA1G (calcium voltage-gated channel subunit alpha1 G; plus strand). Cytogenetic location: 17q21.33.
Variant type: single nucleotide variant.
Coding change: c.580G>C on transcript NM_018896.5 (MANE Select); coding-DNA position 580, G replaced by C.
Protein change: p.Val194Leu; replaces valine 194 with leucine.
Molecular consequence: missense variant. On other transcripts: non-coding transcript variant (5).
Genome position (GRCh38, 1-based): chr17:50,569,797, G>C. VCF-style: chr17-50569797-G-C. GRCh37 (hg19) VCF-style: chr17-48647158-G-C.
Other names: c.580G>C, p.Val194Leu (NM_001256324.2, NM_001256325.2, NM_001256326.2 and 24 more transcripts); short protein forms V194L.
Identifiers: ClinVar variation 3067799 (VCV003067799.21), dbSNP rs1354835683, ClinGen allele CA400228898.
Genomic context (GRCh38, chr17:50,569,797, plus strand): 5'-GTCAGCTTCTCAGCTGTCAGGACAGTCCGTGTGCTGCGACCGCTCAGGGCCATTAACCGG[G>C]TGCCCAGTGAGTGACCCCTCAGCCCTCAGCCCCTGAAGAGAGCCCCAGGAGGAAATGTGG-3'
Protein context (NP_061496.2, residues 184-204): VLRPLRAINR[Val194Leu]PSMRILVTLL

ClinVar aggregate classification (germline): Uncertain significance (1 of 4 stars; one submission).

gnomAD v4.1: 1 of 1,549,874 alleles (0.000065%); highest among the groups gnomAD compares: Non-Finnish European, 0.000087%; no homozygotes.

Submission:

CeGaT Center for Human Genetics Tuebingen
Classification: Uncertain significance. Last evaluated: 2024-03-01. Review status: criteria provided, single submitter. Criteria: CeGaT Center For Human Genetics Tuebingen Variant Classification Criteria Version 2. Collection method: clinical testing. Allele origin: germline. Affected: yes. Observed: 1 variant allele.
Comment: CACNA1G: PM2, PP2, PP3